The following is an entry in ClinVar:

NM_182943.3(PLOD2):c.1754A>T (p.Asp585Val)

Gene: PLOD2 (procollagen-lysine,2-oxoglutarate 5-dioxygenase 2; minus strand). Cytogenetic location: 3q24.
Variant type: single nucleotide variant.
Coding change: c.1754A>T on transcript NM_182943.3 (MANE Select); coding-DNA position 1754, A replaced by T.
Protein change: p.Asp585Val; replaces aspartic acid 585 with valine.
Molecular consequence: missense variant.
Genome position (GRCh38, 1-based): chr3:146,072,655, T>A on the plus strand (A>T on the coding strand, the complement: PLOD2 is on the minus strand). VCF-style: chr3-146072655-T-A. GRCh37 (hg19) VCF-style: chr3-145790442-T-A.
Other names: c.1691A>T, p.Asp564Val (NM_000935.3); short protein forms D564V, D585V.
Identifiers: ClinVar variation 3363157 (VCV003363157.1).
Genomic context (GRCh38, chr3:146,072,655, plus strand): 5'-TCCATTTCTTCTACCAATTCATCACAGGCTTTTTCAGAAAATATGGGGAACCAAAAGACA[T>A]CTGGACAGGGCTATAAAATATGCATCATCGTTAGAAGACATAATAACTTCTGTGTCTTAA-3'
Protein context (NP_891988.1, residues 575-595): TENIVEQPCP[Asp585Val]VFWFPIFSEK

ClinVar aggregate classification (germline): Likely pathogenic (1 of 4 stars; one submission).

Conditions:
Bruck syndrome 2 (BRKS2). Also called: OSTEOGENESIS IMPERFECTA WITH CONGENITAL JOINT CONTRACTURES. Identifiers: Orphanet 2771, MedGen C1836602, MONDO:0012217, OMIM 609220.

Submission:

Clinical Genetics and Genomics, Karolinska University Hospital
Classification: Likely pathogenic for Bruck syndrome 2. Last evaluated: 2024-09-10. Review status: criteria provided, single submitter. Criteria: ACMG Guidelines, 2015. Collection method: clinical testing. Allele origin: germline. Affected: yes.
Comment: The p.(Asp564Val) variant in the PLOD2 gene was found in compound heterozygosity with a nonsense variant p.(Ser166*) in two stillborn siblings with a kyphomelic dysplasia-like phenotype (PMID:29178448).